The following is an entry in ClinVar:

NM_173477.5(USH1G):c.319A>G (p.Met107Val)

Gene: USH1G (USH1 protein network component sans; minus strand). Cytogenetic location: 17q25.1.
Variant type: single nucleotide variant.
Coding change: c.319A>G on transcript NM_173477.5 (MANE Select); coding-DNA position 319, A replaced by G.
Protein change: p.Met107Val; replaces methionine 107 with valine.
Molecular consequence: missense variant.
Genome position (GRCh38, 1-based): chr17:74,920,517, T>C on the plus strand (A>G on the coding strand, the complement: USH1G is on the minus strand). VCF-style: chr17-74920517-T-C. GRCh37 (hg19) VCF-style: chr17-72916612-T-C.
Other names: c.10A>G, p.Met4Val (NM_001282489.3); short protein forms M107V, M4V.
Identifiers: ClinVar variation 4072554 (VCV004072554.1).
Genomic context (GRCh38, chr17:74,920,517, plus strand): 5'-GGCTGCTCTGCTTGGCCGCGATGGAGTCCAGGTAGCGCACGCATTCCATGTGGCCCTTCA[T>C]GGCAGCCATGTCCAGCGGCGTGTGGTAGTCGTTGTCTAGGCACCAGATGTTGGCTCCGAA-3'
Protein context (NP_775748.2, residues 97-117): DYHTPLDMAA[Met107Val]KGHMECVRYL

ClinVar aggregate classification (germline): Uncertain significance (1 of 4 stars; one submission).

Submission:

GeneDx
Classification: Uncertain significance. Last evaluated: 2025-01-31. Review status: criteria provided, single submitter. Criteria: GeneDx Variant Classification Process June 2021. Collection method: clinical testing. Allele origin: germline. Affected: yes.
Comment: Not observed at significant frequency in large population cohorts (gnomAD); In silico analysis indicates that this missense variant does not alter protein structure/function; Has not been previously published as pathogenic or benign to our knowledge